The following is an entry in ClinVar:

ClinVar aggregate classification (germline): Uncertain significance (1 of 4 stars; one submission).

Conditions:
Epilepsy, familial focal, with variable foci 3 (FFEVF3). Identifiers: MedGen C4310708, MONDO:0014925, OMIM 617118.

Allele frequency attached by ClinVar (database versions not stated): TOPMed below 0.00001; gnomAD exomes 0.00001; gnomAD 0.00001.
gnomAD v4.1: 11 of 1,610,212 alleles (0.00068%); highest among the groups gnomAD compares: South Asian, 0.0022%; no homozygotes.

Submission:

Labcorp Genetics (formerly Invitae), Labcorp
Classification: Uncertain significance for Epilepsy, familial focal, with variable foci 3. Last evaluated: 2024-02-17. Review status: criteria provided, single submitter. Criteria: Invitae Variant Classification Sherloc (09022015). Collection method: clinical testing. Allele origin: germline.
Comment: This sequence change replaces proline, which is neutral and non-polar, with leucine, which is neutral and non-polar, at codon 114 of the NPRL3 protein (p.Pro114Leu). This variant is not present in population databases (gnomAD no frequency). This variant has not been reported in the literature in individuals affected with NPRL3-related conditions. ClinVar contains an entry for this variant (Variation ID: 849696). Experimental studies and prediction algorithms are not available or were not evaluated, and the functional significance of this variant is currently unknown. In summary, the available evidence is currently insufficient to determine the role of this variant in disease. Therefore, it has been classified as a Variant of Uncertain Significance.

NM_001077350.3(NPRL3):c.341C>T (p.Pro114Leu)

Genes: HBA-LCR (alpha-globin locus control region; plus strand), NPRL3 (NPR3 like, GATOR1 complex subunit; minus strand). Cytogenetic location: 16p13.3.
Variant type: single nucleotide variant.
Coding change: c.341C>T on transcript NM_001077350.3 (MANE Select); coding-DNA position 341, C replaced by T.
Protein change: p.Pro114Leu; replaces proline 114 with leucine.
Molecular consequence: missense variant. On other transcripts: intron variant (3).
Genome position (GRCh38, 1-based): chr16:117,353, G>A on the plus strand (C>T on the coding strand, the complement: NPRL3 is on the minus strand). VCF-style: chr16-117353-G-A. GRCh37 (hg19) VCF-style: chr16-167352-G-A.
Other names: c.107C>T, p.Pro36Leu (NM_001243247.2); c.318+1773C>T (NM_001243248.2, NM_001243249.2); c.-144-4578C>T (NM_001039476.3); short protein forms P114L, P36L.
Identifiers: ClinVar variation 849696 (VCV000849696.8), dbSNP rs979345384, ClinGen allele CA276418657.